The following is an entry in ClinVar:

NM_033305.3(VPS13A):c.1111A>T (p.Lys371Ter)

Gene: VPS13A (vacuolar protein sorting 13 homolog A; plus strand). Cytogenetic location: 9q21.2.
Variant type: single nucleotide variant.
Coding change: c.1111A>T on transcript NM_033305.3 (MANE Select); coding-DNA position 1111, A replaced by T.
Protein change: p.Lys371Ter; replaces lysine 371 with a stop codon.
Molecular consequence: nonsense.
Genome position (GRCh38, 1-based): chr9:77,221,306, A>T. VCF-style: chr9-77221306-A-T. GRCh37 (hg19) VCF-style: chr9-79836222-A-T.
Other names: c.1111A>T, p.Lys371Ter (NM_001018037.2, NM_001018038.3, NM_015186.4); short protein forms K371*.
Identifiers: ClinVar variation 5013744 (VCV005013744.1).

ClinVar aggregate classification (germline): Pathogenic (1 of 4 stars; one submission).

Conditions:
VPS13A-related neurodegenerative disease. Also called: ACANTHOCYTOSIS WITH NEUROLOGIC DISORDER; LEVINE-CRITCHLEY SYNDROME; Choreoacanthocytosis; Chorea-acanthocytosis; Choreaacanthocytosis; VPS13A Disease. Identifiers: Orphanet 2388, MedGen C0393576, MONDO:0008695, OMIM 200150.

Submission:

Myriad Genetics, Inc.
Classification: Pathogenic for VPS13A-related neurodegenerative disease. Last evaluated: 2024-11-13. Review status: criteria provided, single submitter. Criteria: Myriad Autosomal Dominant, Autosomal Recessive and X-Linked Classification Criteria (2023). Collection method: clinical testing. Allele origin: unknown.
Comment: NM_033305.2(VPS13A):c.1111A>T(K371*) is expected to be pathogenic in the context of VPS13A disease. This variant is predicted to lead to an abnormal or absent protein product due to the creation of a premature termination codon in VPS13A, a gene where loss-of-function variants are known to be pathogenic. Please note: this variant was assessed in the context of healthy population screening.